The following is an entry in ClinVar:

NM_012186.3(FOXE3):c.570C>G (p.Pro190=)

Genes: FOXE3 (forkhead box E3; plus strand), LINC01389 (long independently transcribed non-coding RNA 1389; minus strand). Cytogenetic location: 1p33.
Variant type: single nucleotide variant.
Coding change: c.570C>G on transcript NM_012186.3 (MANE Select); coding-DNA position 570, C replaced by G.
Protein change: p.Pro190=; no amino-acid change (proline 190 retained).
Molecular consequence: synonymous variant.
Genome position (GRCh38, 1-based): chr1:47,416,885, C>G. VCF-style: chr1-47416885-C-G. GRCh37 (hg19) VCF-style: chr1-47882557-C-G.
Identifiers: ClinVar variation 4026302 (VCV004026302.2).

ClinVar aggregate classification (germline): Conflicting classifications of pathogenicity. Review status: criteria provided, conflicting classifications (1 of 4 stars). 2 submissions from 2 submitters: Uncertain significance (1); Likely benign (1). Last evaluated 2025-03-23.

Conditions:
Anterior segment dysgenesis. Also called: Ocular anterior segment dysgenesis. Identifiers: Orphanet 88632, MedGen C1862839, MONDO:0019503, HP:0007700.
Congenital primary aphakia. Also called: ANTERIOR SEGMENT DYSGENESIS 2; Anterior segment dysgenesis 2, multiple subtypes. Identifiers: Orphanet 83461, MedGen C1853230, MONDO:0012456, OMIM 610256.
Cardiovascular phenotype. Identifiers: MedGen CN230736.

Submissions (2):

Ambry Genetics
Classification: Likely benign for Cardiovascular phenotype. Last evaluated: 2025-03-23. Review status: criteria provided, single submitter. Criteria: Ambry Variant Classification Scheme 2023. Collection method: clinical testing. Allele origin: germline.

Labcorp Genetics (formerly Invitae), Labcorp
Classification: Uncertain significance for Anterior segment dysgenesis; Congenital primary aphakia. Last evaluated: 2025-02-13. Review status: criteria provided, single submitter. Criteria: Invitae Variant Classification Sherloc (09022015). Collection method: clinical testing. Allele origin: germline.
Comment: This sequence change affects codon 190 of the FOXE3 mRNA. It is a 'silent' change, meaning that it does not change the encoded amino acid sequence of the FOXE3 protein. This variant is not present in population databases (gnomAD no frequency). This variant has not been reported in the literature in individuals affected with FOXE3-related conditions. In summary, the available evidence is currently insufficient to determine the role of this variant in disease. Therefore, it has been classified as a Variant of Uncertain Significance.